The following is an entry in ClinVar:

ClinVar aggregate classification (germline): Uncertain significance (1 of 4 stars; one submission).

Conditions:
Familial thoracic aortic aneurysm and aortic dissection (TAAD). Also called: Thoracic aortic aneurysms and dissections. Identifiers: Orphanet 91387, MedGen C4707243, MONDO:0019625.

Allele frequency attached by ClinVar (database versions not stated): TOPMed below 0.00001; ExAC 0.00001; gnomAD exomes 0.00001.

Submission:

Labcorp Genetics (formerly Invitae), Labcorp
Classification: Uncertain significance for Familial thoracic aortic aneurysm and aortic dissection. Last evaluated: 2025-06-02. Review status: criteria provided, single submitter. Criteria: Invitae Variant Classification Sherloc (09022015). Collection method: clinical testing. Allele origin: germline.
Comment: This sequence change replaces glutamic acid, which is acidic and polar, with aspartic acid, which is acidic and polar, at codon 128 of the MAT2A protein (p.Glu128Asp). This variant is present in population databases (rs781182320, gnomAD 0.0009%). This variant has not been reported in the literature in individuals affected with MAT2A-related conditions. ClinVar contains an entry for this variant (Variation ID: 2956282). Invitae Evidence Modeling of protein sequence and biophysical properties (such as structural, functional, and spatial information, amino acid conservation, physicochemical variation, residue mobility, and thermodynamic stability) indicates that this missense variant is not expected to disrupt MAT2A protein function with a negative predictive value of 80%. In summary, the available evidence is currently insufficient to determine the role of this variant in disease. Therefore, it has been classified as a Variant of Uncertain Significance.

NM_005911.6(MAT2A):c.384A>C (p.Glu128Asp)

Genes: GGCX (gamma-glutamyl carboxylase; minus strand), MAT2A (methionine adenosyltransferase 2A; plus strand). Cytogenetic location: 2p11.2.
Variant type: single nucleotide variant.
Coding change: c.384A>C on transcript NM_005911.6 (MANE Select); coding-DNA position 384, A replaced by C.
Protein change: p.Glu128Asp; replaces glutamic acid 128 with aspartic acid.
Molecular consequence: missense variant.
Genome position (GRCh38, 1-based): chr2:85,541,724, A>C. VCF-style: chr2-85541724-A-C. GRCh37 (hg19) VCF-style: chr2-85768847-A-C.
Other names: short protein forms E128D.
Identifiers: ClinVar variation 2956282 (VCV002956282.3), dbSNP rs781182320, ClinGen allele CA1741386.
Genomic context (GRCh38, chr2:85,541,724, plus strand): 5'-AGCCTTGGAGCAACAGTCACCAGATATTGCTCAAGGTGTTCATCTTGACAGAAATGAAGA[A>C]GACATTGGTGCTGGAGACCAGGTATCTTGGTGTAGAGGCTGTTTTAATCTCTTCTAACAT-3'
Protein context (NP_005902.1, residues 118-138): AQGVHLDRNE[Glu128Asp]DIGAGDQGLM